The following is an entry in ClinVar:

ClinVar aggregate classification (germline): Pathogenic (1 of 4 stars; one submission).

Submission:

CeGaT Center for Human Genetics Tuebingen
Classification: Pathogenic. Last evaluated: 2026-09-01. Review status: criteria provided, single submitter. Criteria: CeGaT Center For Human Genetics Tuebingen Variant Classification Criteria Version 2. Collection method: clinical testing. Allele origin: germline. Affected: yes. Observed: 1 variant allele.
Comment: POLG: PVS1, PM2

NM_002693.3(POLG):c.3560_3561dup (p.Cys1188fs)

Gene: POLG (DNA polymerase gamma, catalytic subunit; minus strand). Cytogenetic location: 15q26.1.
Variant type: Duplication.
Coding change: c.3560_3561dup on transcript NM_002693.3 (MANE Select); coding-DNA positions 3560 to 3561, 2 bases duplicated (GG; older notation c.3560_3561dupGG).
Protein change: p.Cys1188fs; shifts the reading frame from cysteine 1188.
Molecular consequence: frameshift variant.
Genome position (GRCh38, 1-based): chr15:89,317,458-89,317,459, CC duplicated on the plus strand (GG on the coding strand, the reverse complement: POLG is on the minus strand). VCF-style (leftmost placement, unchanged base first): chr15-89317457-A-ACC. GRCh37 (hg19) VCF-style: chr15-89860688-A-ACC.
Other names: c.3560_3561dup, p.Cys1188fs (NM_001126131.2); short protein forms C1188fs.
Identifiers: ClinVar variation 5041687 (VCV005041687.1).